The following is an entry in ClinVar:

NM_004713.6(NEMF):c.1158G>A (p.Gln386=)

Gene: NEMF (nuclear export mediator factor; minus strand). Cytogenetic location: 14q21.3.
Variant type: single nucleotide variant.
Coding change: c.1158G>A on transcript NM_004713.6 (MANE Select); coding-DNA position 1158, G replaced by A.
Protein change: p.Gln386=; no amino-acid change (glutamine 386 retained).
Molecular consequence: synonymous variant.
Genome position (GRCh38, 1-based): chr14:49,829,128, C>T on the plus strand (G>A on the coding strand, the complement: NEMF is on the minus strand). VCF-style: chr14-49829128-C-T. GRCh37 (hg19) VCF-style: chr14-50295846-C-T.
Other names: c.1158G>A, p.Gln386= (NM_001301732.3).
Identifiers: ClinVar variation 3044325 (VCV003044325.2), dbSNP rs113537682, ClinGen allele CA7175371.

ClinVar aggregate classification (germline): Likely benign (0 of 4 stars; one submission).

Conditions:
NEMF-related disorder. Also called: NEMF-related condition.

Allele frequency attached by ClinVar (database versions not stated): gnomAD exomes 0.00012; ExAC 0.00038; ESP Exome Variant Server 0.00085; 1000 Genomes Project 0.00100; gnomAD 0.00115; 1000 Genomes Project 30x 0.00125; TOPMed 0.00131.
gnomAD v4.1: 384 of 1,614,164 alleles (0.024%); highest among the groups gnomAD compares: African/African-American, 0.41%; no homozygotes.

Submission:

PreventionGenetics, part of Exact Sciences
Classification: Likely benign for NEMF-related condition. Last evaluated: 2019-06-06. Review status: no assertion criteria provided. Collection method: clinical testing. Allele origin: germline.
Comment: This variant is classified as likely benign based on ACMG/AMP sequence variant interpretation guidelines (Richards et al. 2015 PMID: 25741868, with internal and published modifications).